The following is an entry in ClinVar:

NM_138694.4(PKHD1):c.2256G>A (p.Thr752=)

Gene: PKHD1 (PKHD1 ciliary IPT domain containing fibrocystin/polyductin; minus strand). Cytogenetic location: 6p12.2.
Variant type: single nucleotide variant.
Coding change: c.2256G>A on transcript NM_138694.4 (MANE Select); coding-DNA position 2256, G replaced by A.
Protein change: p.Thr752=; no amino-acid change (threonine 752 retained).
Molecular consequence: synonymous variant.
Genome position (GRCh38, 1-based): chr6:52,050,180, C>T on the plus strand (G>A on the coding strand, the complement: PKHD1 is on the minus strand). VCF-style: chr6-52050180-C-T. GRCh37 (hg19) VCF-style: chr6-51914978-C-T.
Other names: c.2256G>A, p.Thr752= (NM_170724.3).
Identifiers: ClinVar variation 4982042 (VCV004982042.1).

ClinVar aggregate classification (germline): Likely benign (1 of 4 stars; one submission).

Conditions:
PKHD1-related disorder. Also called: PKHD1-related condition.

gnomAD v4.1: 9 of 1,614,130 alleles (0.00056%); highest among the groups gnomAD compares: Admixed American, 0.0017%; no homozygotes.

Submission:

PreventionGenetics, part of Exact Sciences
Classification: Likely benign for PKHD1-related condition. Last evaluated: 2025-03-12. Review status: criteria provided, single submitter. Criteria: ACMG Guidelines, 2015. Collection method: clinical testing. Allele origin: germline.
Comment: This variant is classified as likely benign based on ACMG/AMP sequence variant interpretation guidelines (Richards et al. 2015 PMID: 25741868, with internal and published modifications).